The following is an entry in ClinVar:

NM_001204375.2(NPR3):c.8C>G (p.Ser3Cys)

Genes: NPR3 (natriuretic peptide receptor 3; plus strand), LOC123493284 (Sharpr-MPRA regulatory region 158; plus strand). Cytogenetic location: 5p13.3.
Variant type: single nucleotide variant.
Coding change: c.8C>G on transcript NM_001204375.2 (MANE Select); coding-DNA position 8, C replaced by G.
Protein change: p.Ser3Cys; replaces serine 3 with cysteine.
Molecular consequence: missense variant. On other transcripts: intron variant (4).
Genome position (GRCh38, 1-based): chr5:32,711,784, C>G. VCF-style: chr5-32711784-C-G. GRCh37 (hg19) VCF-style: chr5-32711890-C-G.
Other names: c.8C>G, p.Ser3Cys (NM_000908.4); c.50-12914C>G (NM_001364458.2); c.121+1001C>G (NM_001363652.2, NM_001204376.2, NM_001364460.2); short protein forms S3C.
Identifiers: ClinVar variation 2203614 (VCV002203614.4), dbSNP rs562074715, ClinGen allele CA3222320.

ClinVar aggregate classification (germline): Uncertain significance (1 of 4 stars; one submission).

Allele frequency attached by ClinVar (database versions not stated): gnomAD 0.00006; TOPMed 0.00007; 1000 Genomes Project 30x 0.00016; 1000 Genomes Project 0.00020; ExAC 0.00024.
gnomAD v4.1: 30 of 1,424,180 alleles (0.0021%); highest among the groups gnomAD compares: East Asian, 0.07%; no homozygotes.

Submission:

Labcorp Genetics (formerly Invitae), Labcorp
Classification: Uncertain significance. Last evaluated: 2021-12-01. Review status: criteria provided, single submitter. Criteria: Invitae Variant Classification Sherloc (09022015). Collection method: clinical testing. Allele origin: germline.
Comment: This variant is present in population databases (rs562074715, gnomAD 0.2%). This sequence change replaces serine, which is neutral and polar, with cysteine, which is neutral and slightly polar, at codon 3 of the NPR3 protein (p.Ser3Cys). In summary, the available evidence is currently insufficient to determine the role of this variant in disease. Therefore, it has been classified as a Variant of Uncertain Significance. Experimental studies have shown that this missense change affects NPR3 function (PMID: 23493048). Algorithms developed to predict the effect of missense changes on protein structure and function are either unavailable or do not agree on the potential impact of this missense change (SIFT: "Tolerated"; PolyPhen-2: "Probably Damaging"; Align-GVGD: "Class C15"). This variant has not been reported in the literature in individuals affected with NPR3-related conditions.

Literature cited by the submitters: PubMed 23493048.